The following is an entry in ClinVar:

ClinVar aggregate classification (germline): Likely benign. Review status: criteria provided, single submitter (1 of 4 stars). 2 submissions from 2 submitters: Likely benign (1). 1 of the submissions does not count toward it. Last evaluated 2024-02-20.

Conditions:
MAGI2-related disorder. Also called: MAGI2-related condition.

Allele frequency attached by ClinVar (database versions not stated): ExAC 0.00005; ESP Exome Variant Server 0.00008.
gnomAD v4.1: 41 of 1,614,066 alleles (0.0025%); highest among the groups gnomAD compares: Admixed American, 0.028%; no homozygotes.

Submissions (2):

Labcorp Genetics (formerly Invitae), Labcorp
Classification: Likely benign. Last evaluated: 2024-02-20. Review status: criteria provided, single submitter. Criteria: Invitae Variant Classification Sherloc (09022015). Collection method: clinical testing. Allele origin: germline.

PreventionGenetics, part of Exact Sciences
Classification: Likely benign for MAGI2-related condition. Last evaluated: 2019-05-28. Review status: no assertion criteria provided. Collection method: clinical testing. Allele origin: germline. Not counted in ClinVar's aggregate classification.
Comment: This variant is classified as likely benign based on ACMG/AMP sequence variant interpretation guidelines (Richards et al. 2015 PMID: 25741868, with internal and published modifications).

NM_012301.4(MAGI2):c.564G>A (p.Pro188=)

Gene: MAGI2 (membrane associated guanylate kinase, WW and PDZ domain containing 2; minus strand). Cytogenetic location: 7q21.11.
Variant type: single nucleotide variant.
Coding change: c.564G>A on transcript NM_012301.4 (MANE Select); coding-DNA position 564, G replaced by A.
Protein change: p.Pro188=; no amino-acid change (proline 188 retained).
Molecular consequence: synonymous variant.
Genome position (GRCh38, 1-based): chr7:78,521,620, C>T on the plus strand (G>A on the coding strand, the complement: MAGI2 is on the minus strand). VCF-style: chr7-78521620-C-T. GRCh37 (hg19) VCF-style: chr7-78150937-C-T.
Other names: c.564G>A (NM_012301.3); c.564G>A, p.Pro188= (NM_001301128.2).
Identifiers: ClinVar variation 2722356 (VCV002722356.5), dbSNP rs368329978, ClinGen allele CA4314228.